The following is an entry in ClinVar:

NM_003238.6(TGFB2):c.213C>A (p.Tyr71Ter)

Gene: TGFB2 (transforming growth factor beta 2; plus strand). Cytogenetic location: 1q41.
Variant type: single nucleotide variant.
Coding change: c.213C>A on transcript NM_003238.6 (MANE Select); coding-DNA position 213, C replaced by A.
Protein change: p.Tyr71Ter; replaces tyrosine 71 with a stop codon.
Molecular consequence: nonsense. On other transcripts: non-coding transcript variant (2).
Genome position (GRCh38, 1-based): chr1:218,346,914, C>A. VCF-style: chr1-218346914-C-A. GRCh37 (hg19) VCF-style: chr1-218520256-C-A.
Other names: c.213C>A, p.Tyr71Ter (NM_001135599.4); short protein forms Y71*.
Identifiers: ClinVar variation 379573 (VCV000379573.2), dbSNP rs766024374, ClinGen allele CA16603523.

ClinVar aggregate classification (germline): Pathogenic (1 of 4 stars; one submission).

Submission:

GeneDx
Classification: Pathogenic. Last evaluated: 2015-04-30. Review status: criteria provided, single submitter. Criteria: GeneDx Variant Classification (06012015). Collection method: clinical testing. Allele origin: germline. Affected: yes.
Comment: The Y71X variant in the TGFB2 gene has not been reported previously as a pathogenic variantnor as a benign polymorphism, to our knowledge. This variant is predicted to cause loss of normal protein function either through protein truncation or nonsense-mediated mRNA decay. The Y71X variant wasnot observed in approximately 6500 individuals of European and African American ancestry in the NHLBIExome Sequencing Project, indicating it is not a common benign variant in these populations. We interpretY71X as a pathogenic variant.